The following is an entry in ClinVar:

NM_006766.5(KAT6A):c.5810A>G (p.His1937Arg)

Gene: KAT6A (lysine acetyltransferase 6A; minus strand). Cytogenetic location: 8p11.21.
Variant type: single nucleotide variant.
Coding change: c.5810A>G on transcript NM_006766.5 (MANE Select); coding-DNA position 5810, A replaced by G.
Protein change: p.His1937Arg; replaces histidine 1937 with arginine.
Molecular consequence: missense variant.
Genome position (GRCh38, 1-based): chr8:41,932,410, T>C on the plus strand (A>G on the coding strand, the complement: KAT6A is on the minus strand). VCF-style: chr8-41932410-T-C. GRCh37 (hg19) VCF-style: chr8-41789928-T-C.
Other names: short protein forms H1937R.
Identifiers: ClinVar variation 2320746 (VCV002320746.3), dbSNP rs971573767, ClinGen allele CA175938204.

ClinVar aggregate classification (germline): Uncertain significance. Review status: criteria provided, multiple submitters, no conflicts (2 of 4 stars). 2 submissions from 2 submitters: Uncertain significance (2). Last evaluated 2025-09-24.

Conditions:
Inborn genetic diseases. Identifiers: MedGen C0950123, MeSH D030342.

Allele frequency attached by ClinVar (database versions not stated): TOPMed 0.00002.

Submissions (2):

Labcorp Genetics (formerly Invitae), Labcorp
Classification: Uncertain significance. Last evaluated: 2025-09-24. Review status: criteria provided, single submitter. Criteria: Invitae Variant Classification Sherloc (09022015). Collection method: clinical testing. Allele origin: germline.
Comment: This sequence change replaces histidine, which is basic and polar, with arginine, which is basic and polar, at codon 1937 of the KAT6A protein (p.His1937Arg). This variant is not present in population databases (gnomAD no frequency). This variant has not been reported in the literature in individuals affected with KAT6A-related conditions. ClinVar contains an entry for this variant (Variation ID: 2320746). Invitae Evidence Modeling of protein sequence and biophysical properties (such as structural, functional, and spatial information, amino acid conservation, physicochemical variation, residue mobility, and thermodynamic stability) indicates that this missense variant is not expected to disrupt KAT6A protein function with a negative predictive value of 95%. In summary, the available evidence is currently insufficient to determine the role of this variant in disease. Therefore, it has been classified as a Variant of Uncertain Significance.

Ambry Genetics
Classification: Uncertain significance for Inborn genetic diseases. Last evaluated: 2022-10-26. Review status: criteria provided, single submitter. Criteria: Ambry Variant Classification Scheme 2023. Collection method: clinical testing. Allele origin: germline.